The following is an entry in ClinVar:

ClinVar aggregate classification (germline): Uncertain significance. Review status: criteria provided, multiple submitters, no conflicts (2 of 4 stars). 4 submissions from 4 submitters: Uncertain significance (4). Last evaluated 2024-08-21.

Conditions:
Inborn genetic diseases. Identifiers: MedGen C0950123, MeSH D030342.

Allele frequency attached by ClinVar (database versions not stated): ExAC 0.00001; gnomAD exomes 0.00001; TOPMed 0.00001.

Submissions (4):

Ambry Genetics
Classification: Uncertain significance for Inborn genetic diseases. Last evaluated: 2024-08-21. Review status: criteria provided, single submitter. Criteria: Ambry Variant Classification Scheme 2023. Collection method: clinical testing. Allele origin: germline.

CeGaT Center for Human Genetics Tuebingen
Classification: Uncertain significance. Last evaluated: 2024-01-01. Review status: criteria provided, single submitter. Criteria: CeGaT Center For Human Genetics Tuebingen Variant Classification Criteria Version 2. Collection method: clinical testing. Allele origin: germline. Affected: yes. Observed: 1 variant allele.
Comment: RBP3: PM2

Labcorp Genetics (formerly Invitae), Labcorp
Classification: Uncertain significance. Last evaluated: 2023-11-13. Review status: criteria provided, single submitter. Criteria: Invitae Variant Classification Sherloc (09022015). Collection method: clinical testing. Allele origin: germline.
Comment: This sequence change replaces threonine, which is neutral and polar, with methionine, which is neutral and non-polar, at codon 943 of the RBP3 protein (p.Thr943Met). This variant is present in population databases (rs782362888, gnomAD 0.003%). This variant has not been reported in the literature in individuals affected with RBP3-related conditions. ClinVar contains an entry for this variant (Variation ID: 1360983). An algorithm developed to predict the effect of missense changes on protein structure and function (PolyPhen-2) suggests that this variant is likely to be disruptive. In summary, the available evidence is currently insufficient to determine the role of this variant in disease. Therefore, it has been classified as a Variant of Uncertain Significance.

Blueprint Genetics
Classification: Uncertain significance. Last evaluated: 2022-07-13. Review status: criteria provided, single submitter. Criteria: ACMG Guidelines, 2015. Collection method: clinical testing. Allele origin: germline.

NM_002900.3(RBP3):c.2828C>T (p.Thr943Met)

Gene: RBP3 (retinol binding protein 3; plus strand). Cytogenetic location: 10q11.22.
Variant type: single nucleotide variant.
Coding change: c.2828C>T on transcript NM_002900.3 (MANE Select); coding-DNA position 2828, C replaced by T.
Protein change: p.Thr943Met; replaces threonine 943 with methionine.
Molecular consequence: missense variant.
Genome position (GRCh38, 1-based): chr10:47,351,312, C>T. VCF-style: chr10-47351312-C-T. GRCh37 (hg19) VCF-style: chr10-48388050-G-A.
Other names: c.2828C>T (NM_002900.2); short protein forms T943M.
Identifiers: ClinVar variation 1360983 (VCV001360983.32), dbSNP rs782362888, ClinGen allele CA5487195.